The following is an entry in ClinVar:

ClinVar aggregate classification (germline): Likely pathogenic. Review status: criteria provided, multiple submitters, no conflicts (2 of 4 stars). 2 submissions from 2 submitters: Likely pathogenic (2). Last evaluated 2024-03-12.

Conditions:
Hereditary cancer-predisposing syndrome. Also called: Hereditary neoplastic syndrome; Neoplastic Syndromes, Hereditary; Tumor predisposition; Hereditary Cancer Syndrome. Identifiers: Orphanet 140162, MedGen C0027672, MeSH D009386, MONDO:0015356.
Microcephaly, normal intelligence and immunodeficiency (NBS). Also called: IMMUNODEFICIENCY, MICROCEPHALY, AND CHROMOSOMAL INSTABILITY; SEEMANOVA SYNDROME II; Nijmegen breakage syndrome; Microcephaly with normal intelligence immunodeficiency and lymphoreticular malignancies; Nonsyndromal microcephaly autosomal recessive with normal intelligence; Seemanova syndrome 2. Identifiers: Orphanet 647, MedGen C0398791, MONDO:0009623, OMIM 251260.

Submissions (2):

Ambry Genetics
Classification: Likely pathogenic for Hereditary cancer-predisposing syndrome. Last evaluated: 2024-03-12. Review status: criteria provided, single submitter. Criteria: Ambry Variant Classification Scheme 2023. Collection method: clinical testing. Allele origin: germline.
Comment: The c.2184+1G>A intronic variant results from a G to A substitution one nucleotide after coding exon 14 of the NBN gene. This nucleotide position is highly conserved in available vertebrate species. In silico splice site analysis predicts that this alteration will weaken the native splice donor site. Alterations that disrupt the canonical splice site are expected to cause aberrant splicing, resulting in an abnormal protein or a transcript that is subject to nonsense-mediated mRNA decay. As such, this alteration is classified as likely pathogenic.

Labcorp Genetics (formerly Invitae), Labcorp
Classification: Likely pathogenic for Microcephaly, normal intelligence and immunodeficiency. Last evaluated: 2021-10-09. Review status: criteria provided, single submitter. Criteria: Invitae Variant Classification Sherloc (09022015). Collection method: clinical testing. Allele origin: germline.
Comment: Algorithms developed to predict the effect of sequence changes on RNA splicing suggest that this variant may disrupt the consensus splice site, but this prediction has not been confirmed by published transcriptional studies. This variant has not been reported in the literature in individuals with NBN-related disease. ClinVar contains an entry for this variant (Variation ID: 480045). This variant is not present in population databases (ExAC no frequency). This sequence change affects a donor splice site in intron 14 of the NBN gene. It is expected to disrupt RNA splicing and likely results in an absent or disrupted protein product. Donor and acceptor splice site variants typically lead to a loss of protein function (PMID: 16199547), and loss-of-function variants in NBN are known to be pathogenic (PMID: 9590180, 16415040). In summary, the currently available evidence indicates that the variant is pathogenic, but additional data are needed to prove that conclusively. Therefore, this variant has been classified as Likely Pathogenic.

Literature cited by the submitters: PubMed 16199547 (cited by Labcorp Genetics (formerly Invitae), Labcorp); PubMed 9590180 (cited by Labcorp Genetics (formerly Invitae), Labcorp); PubMed 16415040 (cited by Labcorp Genetics (formerly Invitae), Labcorp).

NM_002485.5(NBN):c.2184+1G>A

Gene: NBN (nibrin; minus strand). Cytogenetic location: 8q21.3.
Variant type: single nucleotide variant.
Coding change: c.2184+1G>A on transcript NM_002485.5 (MANE Select); the canonical splice donor site of the intron after coding-DNA position 2184, G replaced by A.
Molecular consequence: splice donor variant.
Genome position (GRCh38, 1-based): chr8:89,943,252, C>T on the plus strand (G>A on the coding strand, the complement: NBN is on the minus strand). VCF-style: chr8-89943252-C-T. GRCh37 (hg19) VCF-style: chr8-90955480-C-T.
Other names: c.1938+1G>A (NM_001024688.3).
Identifiers: ClinVar variation 480045 (VCV000480045.12), dbSNP rs756363734, ClinGen allele CA181273259.